The following is an entry in ClinVar:

NM_000038.6(APC):c.334C>T (p.Pro112Ser)

Gene: APC (APC regulator of Wnt signaling pathway; plus strand). Cytogenetic location: 5q22.2.
Variant type: single nucleotide variant.
Coding change: c.334C>T on transcript NM_000038.6 (MANE Select); coding-DNA position 334, C replaced by T.
Protein change: p.Pro112Ser; replaces proline 112 with serine.
Molecular consequence: missense variant. On other transcripts: 5 prime UTR variant (1).
Genome position (GRCh38, 1-based): chr5:112,767,302, C>T. VCF-style: chr5-112767302-C-T. GRCh37 (hg19) VCF-style: chr5-112102999-C-T.
Other names: c.334C>T, p.Pro112Ser (NM_001127510.3, NM_001354895.2, NM_001354896.2 and 2 more transcripts); c.364C>T, p.Pro122Ser (NM_001127511.3, NM_001354897.2, NM_001354902.2); c.259C>T, p.Pro87Ser (NM_001354898.2, NM_001354904.2); c.157C>T, p.Pro53Ser (NM_001354900.2, NM_001354901.2, NM_001354905.2); c.-702C>T (NM_001354906.2); short protein forms P53S, P122S, P112S, P87S.
Identifiers: ClinVar variation 1036047 (VCV001036047.13), dbSNP rs1392982680, ClinGen allele CA16022053.

ClinVar aggregate classification (germline): Uncertain significance. Review status: criteria provided, multiple submitters, no conflicts (2 of 4 stars). 4 submissions from 4 submitters: Uncertain significance (4). Last evaluated 2026-01-20.

Conditions:
Hereditary cancer-predisposing syndrome. Also called: Neoplastic Syndromes, Hereditary; Hereditary Cancer Syndrome; Tumor predisposition; Hereditary neoplastic syndrome. Identifiers: Orphanet 140162, MedGen C0027672, MeSH D009386, MONDO:0015356.
Familial adenomatous polyposis 1 (FAP1). Also called: FAMILIAL ADENOMATOUS POLYPOSIS 1, ATTENUATED; POLYPOSIS, ADENOMATOUS INTESTINAL. Identifiers: MedGen C2713442, MONDO:0021056, OMIM 175100. Disease mechanism: loss of function.

Allele frequency attached by ClinVar (database versions not stated): gnomAD exomes below 0.00001; TOPMed below 0.00001; gnomAD 0.00001.
gnomAD v4.1: 7 of 1,613,932 alleles (0.00043%); highest among the groups gnomAD compares: Non-Finnish European, 0.00059%; no homozygotes.

Submissions (4):

Labcorp Genetics (formerly Invitae), Labcorp
Classification: Uncertain significance for Familial adenomatous polyposis 1. Last evaluated: 2026-01-20. Review status: criteria provided, single submitter. Criteria: Invitae Variant Classification Sherloc (09022015). Collection method: clinical testing. Allele origin: germline.
Comment: This sequence change replaces proline, which is neutral and non-polar, with serine, which is neutral and polar, at codon 112 of the APC protein (p.Pro112Ser). This variant is present in population databases (no rsID available, gnomAD 0.007%). This variant has not been reported in the literature in individuals affected with APC-related conditions. ClinVar contains an entry for this variant (Variation ID: 1036047). Invitae Evidence Modeling of protein sequence and biophysical properties (such as structural, functional, and spatial information, amino acid conservation, physicochemical variation, residue mobility, and thermodynamic stability) indicates that this missense variant is not expected to disrupt APC protein function with a negative predictive value of 95%. In summary, the available evidence is currently insufficient to determine the role of this variant in disease. Therefore, it has been classified as a Variant of Uncertain Significance.

St. Jude Molecular Pathology, St. Jude Children's Research Hospital
Classification: Uncertain significance for Familial adenomatous polyposis 1. Last evaluated: 2025-01-26. Review status: criteria provided, single submitter. Criteria: St. Jude Assertion Criteria 2020. Collection method: clinical testing. Allele origin: germline.
Comment: The APC c.334C>T p.(Pro112Ser) missense change has a maximum subpopulation frequency of 0.0006% in gnomAD v4.1.0. The in silico tool REVEL is inconclusive about a pathogenic or benign effect of this variant on protein function, and to our knowledge functional studies have not been performed. To our knowledge, this variant has not been reported in the literature in individuals with APC-related disease. In summary, the evidence currently available is insufficient to determine the clinical significance of this variant. It has therefore been classified as of uncertain significance.

Color Diagnostics, LLC DBA Color Health
Classification: Uncertain significance for Hereditary cancer-predisposing syndrome. Last evaluated: 2024-03-06. Review status: criteria provided, single submitter. Criteria: ACMG Guidelines, 2015. Collection method: clinical testing. Allele origin: germline.
Comment: This missense variant replaces proline with serine at codon 112 of the APC protein. Computational prediction is inconclusive regarding the impact of this variant on protein structure and function. To our knowledge, functional studies have not been reported for this variant. This variant has not been reported in individuals affected with APC-related disorders in the literature. This variant has been identified in 1/31404 chromosomes in the general population by the Genome Aggregation Database (gnomAD). The available evidence is insufficient to determine the role of this variant in disease conclusively. Therefore, this variant is classified as a Variant of Uncertain Significance.

Ambry Genetics
Classification: Uncertain significance for Hereditary cancer-predisposing syndrome. Last evaluated: 2023-04-17. Review status: criteria provided, single submitter. Criteria: Ambry Variant Classification Scheme 2023. Collection method: clinical testing. Allele origin: germline.
Comment: The p.P112S variant (also known as c.334C>T), located in coding exon 3 of the APC gene, results from a C to T substitution at nucleotide position 334. The proline at codon 112 is replaced by serine, an amino acid with similar properties. This amino acid position is highly conserved in available vertebrate species. In addition, in silico predictors for this gene do not accurately predict pathogenicity. Since supporting evidence is limited at this time, the clinical significance of this alteration remains unclear.